The following is an entry in ClinVar:

ClinVar aggregate classification (germline): Uncertain significance (1 of 4 stars; one submission).

Submission:

GeneDx
Classification: Uncertain significance. Last evaluated: 2019-12-17. Review status: criteria provided, single submitter. Criteria: GeneDx Variant Classification Process June 2021. Collection method: clinical testing. Allele origin: germline. Affected: yes.
Comment: Not observed in large population cohorts (Lek et al., 2016); In silico analysis, which includes protein predictors and evolutionary conservation, supports that this variant does not alter protein structure/function; Has not been previously published as pathogenic or benign to our knowledge

NM_001278116.2(L1CAM):c.457T>A (p.Ser153Thr)

Gene: L1CAM (L1 cell adhesion molecule; minus strand). Cytogenetic location: Xq28.
Variant type: single nucleotide variant.
Coding change: c.457T>A on transcript NM_001278116.2 (MANE Select); coding-DNA position 457, T replaced by A.
Protein change: p.Ser153Thr; replaces serine 153 with threonine.
Molecular consequence: missense variant.
Genome position (GRCh38, 1-based): chrX:153,871,123, A>T on the plus strand (T>A on the coding strand, the complement: L1CAM is on the minus strand). VCF-style: chrX-153871123-A-T. GRCh37 (hg19) VCF-style: chrX-153136578-A-T.
Other names: c.457T>A, p.Ser153Thr (NM_000425.5, NM_024003.3); c.442T>A, p.Ser148Thr (NM_001143963.2); short protein forms S148T, S153T.
Identifiers: ClinVar variation 1310704 (VCV001310704.2), dbSNP rs2148499026, ClinGen allele CA415136684.